The following is an entry in ClinVar:

ClinVar aggregate classification (germline): Uncertain significance (1 of 4 stars; one submission).

Conditions:
Inborn genetic diseases. Identifiers: MedGen C0950123, MeSH D030342.

Submission:

Ambry Genetics
Classification: Uncertain significance for Inborn genetic diseases. Last evaluated: 2025-05-10. Review status: criteria provided, single submitter. Criteria: Ambry Variant Classification Scheme 2023. Collection method: clinical testing. Allele origin: germline.
Comment: The p.T4R variant (also known as c.11C>G), located in coding exon 1 of the G6PC3 gene, results from a C to G substitution at nucleotide position 11. The threonine at codon 4 is replaced by arginine, an amino acid with similar properties. This amino acid position is conserved. In addition, this alteration is predicted to be tolerated by in silico analysis. Based on the available evidence, the clinical significance of this variant remains unclear.

NM_138387.4(G6PC3):c.11C>G (p.Thr4Arg)

Gene: G6PC3 (glucose-6-phosphatase catalytic subunit 3; plus strand). Cytogenetic location: 17q21.31.
Variant type: single nucleotide variant.
Coding change: c.11C>G on transcript NM_138387.4 (MANE Select); coding-DNA position 11, C replaced by G.
Protein change: p.Thr4Arg; replaces threonine 4 with arginine.
Molecular consequence: missense variant. On other transcripts: 5 prime UTR variant (3), intron variant (1).
Genome position (GRCh38, 1-based): chr17:44,070,976, C>G. VCF-style: chr17-44070976-C-G. GRCh37 (hg19) VCF-style: chr17-42148344-C-G.
Other names: c.11C>G, p.Thr4Arg (NM_001319945.2); c.-394C>G (NM_001384165.1); c.-529C>G (NM_001384166.1); c.-519C>G (NM_001384167.1); c.-312+262C>G (NM_001384168.1); short protein forms T4R.
Identifiers: ClinVar variation 4027600 (VCV004027600.1).